The following is an entry in ClinVar:

NC_000008.10:g.(?_1719201)_(1728753_?)dup

Gene: CLN8 (CLN8 transmembrane ER and ERGIC protein; plus strand). Cytogenetic location: 8p23.3.
Variant type: Duplication.
Identifiers: ClinVar variation 457934 (VCV000457934.2).

ClinVar aggregate classification (germline): Uncertain significance (1 of 4 stars; one submission).

Conditions:
Neuronal ceroid lipofuscinosis. Also called: Neuronal Ceroid Lipofuscinoses. Identifiers: Orphanet 216, Orphanet 79263, MedGen C0027877, MONDO:0016295. Disease mechanism: loss of function.

Submission:

Labcorp Genetics (formerly Invitae), Labcorp
Classification: Uncertain significance for Neuronal ceroid lipofuscinosis. Last evaluated: 2019-08-15. Review status: criteria provided, single submitter. Criteria: Invitae Variant Classification Sherloc (09022015). Collection method: clinical testing. Allele origin: germline.
Comment: This variant results in a copy number gain of the genomic region encompassing the full coding sequence of the CLN8 gene. The boundaries of this event are unknown as they extend beyond the assayed region for this gene and therefore may encompass additional genes. As the precise location of this event is unknown, it may be in tandem or it may be located elsewhere in the genome. This variant has not been reported in the literature in individuals with CLN8-related disease. In summary, the available evidence is currently insufficient to determine the role of this variant in disease. Therefore, it has been classified as a Variant of Uncertain Significance.